The following is an entry in ClinVar:

NM_014141.6(CNTNAP2):c.1583A>G (p.Asp528Gly)

Gene: CNTNAP2 (contactin associated protein 2; plus strand). Cytogenetic location: 7q35.
Variant type: single nucleotide variant.
Coding change: c.1583A>G on transcript NM_014141.6 (MANE Select); coding-DNA position 1583, A replaced by G.
Protein change: p.Asp528Gly; replaces aspartic acid 528 with glycine.
Molecular consequence: missense variant.
Genome position (GRCh38, 1-based): chr7:147,395,693, A>G. VCF-style: chr7-147395693-A-G. GRCh37 (hg19) VCF-style: chr7-147092785-A-G.
Other names: short protein forms D528G.
Identifiers: ClinVar variation 2061007 (VCV002061007.4), dbSNP rs2535754870, ClinGen allele CA369925567.

ClinVar aggregate classification (germline): Uncertain significance (1 of 4 stars; one submission).

Conditions:
Cortical dysplasia-focal epilepsy syndrome (PTHSL1). Also called: Pitt-Hopkins-like syndrome 1. Identifiers: Orphanet 163681, Orphanet 221150, MedGen C2750246, MONDO:0012400, OMIM 610042.

Submission:

Labcorp Genetics (formerly Invitae), Labcorp
Classification: Uncertain significance for Cortical dysplasia-focal epilepsy syndrome. Last evaluated: 2022-07-05. Review status: criteria provided, single submitter. Criteria: Invitae Variant Classification Sherloc (09022015). Collection method: clinical testing. Allele origin: germline.
Comment: In summary, the available evidence is currently insufficient to determine the role of this variant in disease. Therefore, it has been classified as a Variant of Uncertain Significance. Algorithms developed to predict the effect of missense changes on protein structure and function are either unavailable or do not agree on the potential impact of this missense change (SIFT: "Deleterious"; PolyPhen-2: "Benign"; Align-GVGD: "Class C0"). This variant has not been reported in the literature in individuals affected with CNTNAP2-related conditions. This variant is not present in population databases (gnomAD no frequency). This sequence change replaces aspartic acid, which is acidic and polar, with glycine, which is neutral and non-polar, at codon 528 of the CNTNAP2 protein (p.Asp528Gly).